The following is an entry in ClinVar:

ClinVar aggregate classification (germline): Uncertain significance. Review status: criteria provided, multiple submitters, no conflicts (2 of 4 stars). 2 submissions from 2 submitters: Uncertain significance (2). Last evaluated 2025-01-17.

Conditions:
Early-infantile DEE. Also called: Early infantile epileptic encephalopathy; Ohtahara syndrome; Early infantile epileptic encephalopathy with suppression bursts. Identifiers: Orphanet 1934, MedGen C0393706, MONDO:0800491.

Submissions (2):

Labcorp Genetics (formerly Invitae), Labcorp
Classification: Uncertain significance for Early-infantile DEE. Last evaluated: 2025-01-17. Review status: criteria provided, single submitter. Criteria: Invitae Variant Classification Sherloc (09022015). Collection method: clinical testing. Allele origin: germline.
Comment: This sequence change replaces proline, which is neutral and non-polar, with serine, which is neutral and polar, at codon 69 of the SCN1A protein (p.Pro69Ser). This variant is not present in population databases (gnomAD no frequency). This variant has not been reported in the literature in individuals affected with SCN1A-related conditions. Invitae Evidence Modeling of protein sequence and biophysical properties (such as structural, functional, and spatial information, amino acid conservation, physicochemical variation, residue mobility, and thermodynamic stability) indicates that this missense variant is expected to disrupt SCN1A protein function with a positive predictive value of 95%. In summary, the available evidence is currently insufficient to determine the role of this variant in disease. Therefore, it has been classified as a Variant of Uncertain Significance.

Dasa
Classification: Uncertain significance. Last evaluated: 2024-10-03. Review status: criteria provided, single submitter. Criteria: DASA Assertion Criteria. Collection method: clinical testing. Allele origin: germline.
Comment: NM_001165963.4(SCN1A):c.205C>T (p.Pro69Ser) is a missense variant that results in the substitution of proline with serine. This variant is absent from population databases. Computational prediction algorithms are consistent with a deleterious effect. The currently available literature and clinical evidence are not sufficient to establish a definitive association between this variant and the reported condition. Therefore, this variant is classified as a variant of uncertain significance.

NM_001165963.4(SCN1A):c.205C>T (p.Pro69Ser)

Gene: SCN1A (sodium voltage-gated channel alpha subunit 1; minus strand). Cytogenetic location: 2q24.3.
Variant type: single nucleotide variant.
Coding change: c.205C>T on transcript NM_001165963.4 (MANE Select); coding-DNA position 205, C replaced by T.
Protein change: p.Pro69Ser; replaces proline 69 with serine.
Molecular consequence: missense variant. On other transcripts: 5 prime UTR variant (1), non-coding transcript variant (1).
Genome position (GRCh38, 1-based): chr2:166,073,417, G>A on the plus strand (C>T on the coding strand, the complement: SCN1A is on the minus strand). VCF-style: chr2-166073417-G-A. GRCh37 (hg19) VCF-style: chr2-166929927-G-A.
Other names: c.205C>T, p.Pro69Ser (NM_001353948.2, NM_001353949.2, NM_001353950.2 and 10 more transcripts); c.-2221C>T (NM_001353961.2); short protein forms P69S.
Identifiers: ClinVar variation 3625673 (VCV003625673.4).